The following is an entry in ClinVar:

NM_001032283.3(TMPO):c.367C>G (p.Gln123Glu)

Gene: TMPO (thymopoietin; plus strand). Cytogenetic location: 12q23.1.
Variant type: single nucleotide variant.
Coding change: c.367C>G on transcript NM_001032283.3 (MANE Select); coding-DNA position 367, C replaced by G.
Protein change: p.Gln123Glu; replaces glutamine 123 with glutamic acid.
Molecular consequence: missense variant.
Genome position (GRCh38, 1-based): chr12:98,527,973, C>G. VCF-style: chr12-98527973-C-G. GRCh37 (hg19) VCF-style: chr12-98921751-C-G.
Other names: c.367C>G, p.Gln123Glu (NM_001032284.3, NM_001307975.2, NM_003276.2); short protein forms Q123E.
Identifiers: ClinVar variation 3223176 (VCV003223176.1), dbSNP rs1210895040, ClinGen allele CA386150886.

ClinVar aggregate classification (germline): Uncertain significance (1 of 4 stars; one submission).

Allele frequency attached by ClinVar (database versions not stated): gnomAD exomes below 0.00001.

Submission:

Ambry Genetics
Classification: Uncertain significance. Last evaluated: 2023-09-22. Review status: criteria provided, single submitter. Criteria: Ambry Variant Classification Scheme 2023. Collection method: clinical testing. Allele origin: germline.
Comment: The p.Q123E variant (also known as c.367C>G), located in coding exon 2 of the TMPO gene, results from a C to G substitution at nucleotide position 367. The glutamine at codon 123 is replaced by glutamic acid, an amino acid with highly similar properties. This amino acid position is conserved. In addition, this alteration is predicted to be tolerated by in silico analysis. Since supporting evidence is limited at this time, the clinical significance of this alteration remains unclear.